The following is an entry in ClinVar:

ClinVar aggregate classification (germline): Uncertain significance (1 of 4 stars; one submission).

Conditions:
Autosomal recessive ataxia, Beauce type. Also called: SYNE1-Related Autosomal Recessive Cerebellar Ataxia; Spinocerebellar ataxia, autosomal recessive 8; ATAXIA, RECESSIVE, OF BEAUCE; SYNE1 Deficiency. Identifiers: Orphanet 88644, MedGen C1853116, MONDO:0012549, OMIM 610743.
Emery-Dreifuss muscular dystrophy 4, autosomal dominant (EDMD4). Also called: EMERY-DREIFUSS MUSCULAR DYSTROPHY 4 WITH VARIABLE FEATURES. Identifiers: Orphanet 261, MedGen C2751807, MONDO:0013071, OMIM 612998.

Allele frequency attached by ClinVar (database versions not stated): gnomAD exomes below 0.00001; TOPMed below 0.00001; gnomAD 0.00001.
gnomAD v4.1: 6 of 1,614,038 alleles (0.00037%); highest among the groups gnomAD compares: East Asian, 0.0022%; no homozygotes.

Submission:

Labcorp Genetics (formerly Invitae), Labcorp
Classification: Uncertain significance for Emery-Dreifuss muscular dystrophy 4, autosomal dominant; Autosomal recessive ataxia, Beauce type. Last evaluated: 2024-11-22. Review status: criteria provided, single submitter. Criteria: Invitae Variant Classification Sherloc (09022015). Collection method: clinical testing. Allele origin: germline.
Comment: This sequence change replaces serine, which is neutral and polar, with leucine, which is neutral and non-polar, at codon 5096 of the SYNE1 protein (p.Ser5096Leu). This variant is present in population databases (no rsID available, gnomAD 0.002%). This variant has not been reported in the literature in individuals affected with SYNE1-related conditions. ClinVar contains an entry for this variant (Variation ID: 2147249). An algorithm developed to predict the effect of missense changes on protein structure and function (PolyPhen-2) suggests that this variant is likely to be tolerated. In summary, the available evidence is currently insufficient to determine the role of this variant in disease. Therefore, it has been classified as a Variant of Uncertain Significance.

NM_182961.4(SYNE1):c.15500C>T (p.Ser5167Leu)

Gene: SYNE1 (spectrin repeat containing nuclear envelope protein 1; minus strand). Cytogenetic location: 6q25.2.
Variant type: single nucleotide variant.
Coding change: c.15500C>T on transcript NM_182961.4 (MANE Select); coding-DNA position 15500, C replaced by T.
Protein change: p.Ser5167Leu; replaces serine 5167 with leucine.
Molecular consequence: missense variant.
Genome position (GRCh38, 1-based): chr6:152,325,241, G>A on the plus strand (C>T on the coding strand, the complement: SYNE1 is on the minus strand). VCF-style: chr6-152325241-G-A. GRCh37 (hg19) VCF-style: chr6-152646376-G-A.
Other names: c.15287C>T, p.Ser5096Leu (NM_033071.5); short protein forms S5167L, S5096L.
Identifiers: ClinVar variation 2147249 (VCV002147249.4), dbSNP rs1275423968, ClinGen allele CA366091234.